The following is an entry in ClinVar:

ClinVar aggregate classification (germline): Pathogenic. Review status: criteria provided, multiple submitters, no conflicts (2 of 4 stars). 2 submissions from 2 submitters: Pathogenic (2). Last evaluated 2025-06-16.

Conditions:
Mucolipidosis type II. Also called: ML II ALPHA/BETA; Mucolipidosis 2; ML 2; Inclusion cell disease; Leroy Disease; N-acetylglucosamine 1phosphotransferase deficiency. Identifiers: Orphanet 576, MedGen C2673377, MONDO:0009650, OMIM 252500.
Pseudo-Hurler polydystrophy. Also called: ML III; ML III ALPHA/BETA; Type III Mucolipidosis; ML IIIA; Mucolipidosis III Alpha/Beta; MUCOLIPIDOSIS IIIA. Identifiers: Orphanet 423461, Orphanet 577, MedGen C0033788, MONDO:0018931, OMIM 252600.
GNPTAB-mucolipidosis. Also called: UDP-N-acetylglucosamine-1-phosphotransferase subunit alpha/beta deficiency. Identifiers: MedGen CN322573, MONDO:0100122.

Submissions (2):

Myriad Genetics, Inc.
Classification: Pathogenic for GNPTAB-mucolipidosis. Last evaluated: 2025-06-16. Review status: criteria provided, single submitter. Criteria: Myriad Autosomal Dominant, Autosomal Recessive and X-Linked Classification Criteria (2023). Collection method: clinical testing. Allele origin: unknown.
Comment: NM_024312.4(GNPTAB):c.2269_2273del5(E757Kfs*2) is a frameshift variant classified as pathogenic in the context of GNPTAB-related disorders. E757Kfs*2 has been observed in a case with relevant disease (PMID: 23566849). Relevant functional assessments of this variant are available in the literature (PMID: 25788519). E757Kfs*2 has not been observed in referenced population frequency databases. In summary, NM_024312.4(GNPTAB):c.2269_2273del5(E757Kfs*2) is a frameshift variant in a gene where loss of function is a known mechanism of disease, is predicted to disrupt protein function, and has been observed more frequently in cases with the relevant disease than in healthy populations. Please note: this variant was assessed in the context of healthy population screening.

Labcorp Genetics (formerly Invitae), Labcorp
Classification: Pathogenic for Pseudo-Hurler polydystrophy; Mucolipidosis type II. Last evaluated: 2023-09-21. Review status: criteria provided, single submitter. Criteria: Invitae Variant Classification Sherloc (09022015). Collection method: clinical testing. Allele origin: germline.
Comment: For these reasons, this variant has been classified as Pathogenic. This premature translational stop signal has been observed in individual(s) with mucolipidosis II (PMID: 23566849). This variant is not present in population databases (gnomAD no frequency). This sequence change creates a premature translational stop signal (p.Glu757Lysfs*2) in the GNPTAB gene. It is expected to result in an absent or disrupted protein product. Loss-of-function variants in GNPTAB are known to be pathogenic (PMID: 19617216, 25107912).

Literature cited by the submitters: PubMed 23566849 (cited by Myriad Genetics, Inc. and Labcorp Genetics (formerly Invitae), Labcorp); PubMed 25788519 (cited by Myriad Genetics, Inc.); PubMed 19617216 (cited by Labcorp Genetics (formerly Invitae), Labcorp); PubMed 25107912 (cited by Labcorp Genetics (formerly Invitae), Labcorp).

NM_024312.5(GNPTAB):c.2269_2273del (p.Glu757fs)

Gene: GNPTAB (N-acetylglucosamine-1-phosphate transferase subunits alpha and beta; minus strand). Cytogenetic location: 12q23.2.
Variant type: Deletion.
Coding change: c.2269_2273del on transcript NM_024312.5 (MANE Select); coding-DNA positions 2269 to 2273, 5 bases deleted (GAAAC; older notation c.2269_2273delGAAAC).
Protein change: p.Glu757fs; shifts the reading frame from glutamic acid 757.
Molecular consequence: frameshift variant.
Genome position (GRCh38, 1-based): chr12:101,764,644-101,764,648, GTTTC deleted on the plus strand (GAAAC on the coding strand, the reverse complement: GNPTAB is on the minus strand). VCF-style (leftmost placement, unchanged base first): chr12-101764643-TGTTTC-T. GRCh37 (hg19) VCF-style: chr12-102158421-TGTTTC-T.
Other names: short protein forms E757fs.
Identifiers: ClinVar variation 2925502 (VCV002925502.4), dbSNP rs2547957136, ClinGen allele CA2573332468.
Genomic context (GRCh38, chr12:101,764,643, plus strand): 5'-GCTGTTTGGCAAGATGCTTTTATGAACCTGTTTTTCCTGTGGAGCCACCAAACTGTCATT[TGTTTC>T]ATCTGTTATTATAGCTTGATTTTTTATTTTAGCATGCTGTGAGTTCATCAGAAATGATCT-3'